The following is an entry in ClinVar:

NM_001267550.2(TTN):c.82933C>T (p.Arg27645Cys)

Genes: TTN-AS1 (TTN antisense RNA 1; plus strand), TTN (titin; minus strand). Cytogenetic location: 2q31.2.
Variant type: single nucleotide variant.
Coding change: c.82933C>T on transcript NM_001267550.2 (MANE Select); coding-DNA position 82933, C replaced by T.
Protein change: p.Arg27645Cys; replaces arginine 27645 with cysteine.
Molecular consequence: missense variant.
Genome position (GRCh38, 1-based): chr2:178,563,199, G>A on the plus strand (C>T on the coding strand, the complement: TTN is on the minus strand). VCF-style: chr2-178563199-G-A. GRCh37 (hg19) VCF-style: chr2-179427926-G-A.
Other names: p.R26004C:CGT>TGT; c.78010C>T, p.Arg26004Cys (NM_001256850.1); c.55738C>T, p.Arg18580Cys (NM_003319.4); c.75229C>T, p.Arg25077Cys (NM_133378.4); c.56113C>T, p.Arg18705Cys (NM_133432.3); c.56314C>T, p.Arg18772Cys (NM_133437.4); short protein forms R26004C, R27645C, R18580C, R18705C, R18772C, R25077C.
Identifiers: ClinVar variation 202332 (VCV000202332.7), dbSNP rs751318609, ClinGen allele CA309114.

ClinVar aggregate classification (germline): Conflicting classifications of pathogenicity. Review status: criteria provided, conflicting classifications (1 of 4 stars). 2 submissions from 2 submitters: Uncertain significance (1); Likely benign (1). Last evaluated 2020-08-05.

Allele frequency attached by ClinVar (database versions not stated): gnomAD 0.00001; gnomAD exomes 0.00001; ExAC 0.00002; TOPMed 0.00002.
gnomAD v4.1: 22 of 1,613,596 alleles (0.0014%); highest among the groups gnomAD compares: Middle Eastern, 0.066%; no homozygotes.

Submissions (2):

Mayo Clinic Laboratories, Mayo Clinic
Classification: Uncertain significance. Last evaluated: 2020-08-05. Review status: criteria provided, single submitter. Criteria: ACMG Guidelines, 2015. Collection method: clinical testing. Allele origin: germline. Observed: 1 variant allele.

GeneDx
Classification: Likely benign. Last evaluated: 2012-11-26. Review status: criteria provided, single submitter. Criteria: GeneDx Variant Classification (06012015). Collection method: clinical testing. Allele origin: germline. Affected: yes.
Comment: The variant is found in DCM panel(s).